The following is an entry in ClinVar:

NM_006514.4(SCN10A):c.3613T>C (p.Trp1205Arg)

Gene: SCN10A (sodium voltage-gated channel alpha subunit 10; minus strand). Cytogenetic location: 3p22.2.
Variant type: single nucleotide variant.
Coding change: c.3613T>C on transcript NM_006514.4 (MANE Select); coding-DNA position 3613, T replaced by C.
Protein change: p.Trp1205Arg; replaces tryptophan 1205 with arginine.
Molecular consequence: missense variant.
Genome position (GRCh38, 1-based): chr3:38,718,721, A>G on the plus strand (T>C on the coding strand, the complement: SCN10A is on the minus strand). VCF-style: chr3-38718721-A-G. GRCh37 (hg19) VCF-style: chr3-38760212-A-G.
Other names: c.3610T>C, p.Trp1204Arg (NM_001293306.2); c.3319T>C, p.Trp1107Arg (NM_001293307.2); c.3613T>C (NM_006514.2); short protein forms W1204R, W1205R, W1107R.
Identifiers: ClinVar variation 3793141 (VCV003793141.1), dbSNP rs1322310217.

ClinVar aggregate classification (germline): Uncertain significance (1 of 4 stars; one submission).

Conditions:
Cardiovascular phenotype. Identifiers: MedGen CN230736.

Allele frequency attached by ClinVar (database versions not stated): TOPMed below 0.00001; gnomAD 0.00001.

Submission:

Ambry Genetics
Classification: Uncertain significance for Cardiovascular phenotype. Last evaluated: 2025-01-16. Review status: criteria provided, single submitter. Criteria: Ambry Variant Classification Scheme 2023. Collection method: clinical testing. Allele origin: germline.
Comment: The p.W1205R variant (also known as c.3613T>C), located in coding exon 20 of the SCN10A gene, results from a T to C substitution at nucleotide position 3613. The tryptophan at codon 1205 is replaced by arginine, an amino acid with dissimilar properties. This amino acid position is conserved. In addition, this alteration is predicted to be deleterious by in silico analysis. Based on the available evidence, the clinical significance of this variant remains unclear.